The following is an entry in ClinVar:

NM_000875.5(IGF1R):c.3890C>T (p.Pro1297Leu)

Gene: IGF1R (insulin like growth factor 1 receptor; plus strand). Cytogenetic location: 15q26.3.
Variant type: single nucleotide variant.
Coding change: c.3890C>T on transcript NM_000875.5 (MANE Select); coding-DNA position 3890, C replaced by T.
Protein change: p.Pro1297Leu; replaces proline 1297 with leucine.
Molecular consequence: missense variant.
Genome position (GRCh38, 1-based): chr15:98,957,228, C>T. VCF-style: chr15-98957228-C-T. GRCh37 (hg19) VCF-style: chr15-99500457-C-T.
Other names: c.3887C>T, p.Pro1296Leu (NM_001291858.2); short protein forms P1296L, P1297L.
Identifiers: ClinVar variation 3907272 (VCV003907272.1).
Genomic context (GRCh38, chr15:98,957,228, plus strand): 5'-TCTCCTTCTACTACAGCGAGGAGAACAAGCTGCCCGAGCCGGAGGAGCTGGACCTGGAGC[C>T]AGAGAACATGGAGAGCGTCCCCCTGGACCCCTCGGCCTCCTCGTCCTCCCTGCCACTGCC-3'
Protein context (NP_000866.1, residues 1287-1307): LPEPEELDLE[Pro1297Leu]ENMESVPLDP

ClinVar aggregate classification (germline): Uncertain significance (1 of 4 stars; one submission).

Submission:

Women's Health and Genetics/Laboratory Corporation of America, LabCorp
Classification: Uncertain significance. Last evaluated: 2025-06-09. Review status: criteria provided, single submitter. Criteria: LabCorp Variant Classification Summary - May 2015. Collection method: clinical testing. Allele origin: germline.
Comment: Variant summary: IGF1R c.3890C>T (p.Pro1297Leu) results in a non-conservative amino acid change in the encoded protein sequence. Algorithms developed to predict the effect of missense changes on protein structure and function are either unavailable or do not agree on the potential impact of this missense change. The variant was absent in 251244 control chromosomes. The available data on variant occurrences in the general population are insufficient to allow any conclusion about variant significance. To our knowledge, no occurrence of c.3890C>T in individuals affected with Growth Delay Due To Insulin-Like Growth Factor I Resistance and no experimental evidence demonstrating its impact on protein function have been reported. No submitters have cited clinical-significance assessments for this variant to ClinVar. Based on the evidence outlined above, the variant was classified as uncertain significance.